The following is an entry in ClinVar:

ClinVar aggregate classification (germline): Uncertain significance (1 of 4 stars; one submission).

Conditions:
Hereditary cancer-predisposing syndrome. Also called: Neoplastic Syndromes, Hereditary; Tumor predisposition; Hereditary Cancer Syndrome; Hereditary neoplastic syndrome. Identifiers: Orphanet 140162, MedGen C0027672, MeSH D009386, MONDO:0015356.

Submission:

Ambry Genetics
Classification: Uncertain significance for Hereditary cancer-predisposing syndrome. Last evaluated: 2025-12-30. Review status: criteria provided, single submitter. Criteria: Ambry Variant Classification Scheme 2023. Collection method: clinical testing. Allele origin: germline.
Comment: The p.G543D variant (also known as c.1628G>A), located in coding exon 9 of the BRCA1 gene, results from a G to A substitution at nucleotide position 1628. The glycine at codon 543 is replaced by aspartic acid, an amino acid with similar properties. This amino acid position is not well conserved in available vertebrate species. In addition, the in silico prediction for this alteration is inconclusive. Based on the available evidence, the clinical significance of this variant remains unclear.

NM_007294.4(BRCA1):c.1628G>A (p.Gly543Asp)

Gene: BRCA1 (BRCA1 DNA repair associated; minus strand). Cytogenetic location: 17q21.31.
Variant type: single nucleotide variant.
Coding change: c.1628G>A on transcript NM_007294.4 (MANE Select); coding-DNA position 1628, G replaced by A.
Protein change: p.Gly543Asp; replaces glycine 543 with aspartic acid.
Molecular consequence: missense variant. On other transcripts: intron variant (137).
Genome position (GRCh38, 1-based): chr17:43,093,903, C>T on the plus strand (G>A on the coding strand, the complement: BRCA1 is on the minus strand). VCF-style: chr17-43093903-C-T. GRCh37 (hg19) VCF-style: chr17-41245920-C-T.
Other names: c.1487G>A, p.Gly496Asp (NM_007297.4, NM_001407738.1, NM_001407739.1 and 29 more transcripts); c.1628G>A, p.Gly543Asp (NM_007300.4, NM_001407616.1, NM_001407617.1 and 30 more transcripts); c.646+841G>A (NM_001408458.1, NM_001408469.1, NM_001408453.1 and 11 more transcripts); c.283+841G>A (NM_001408512.1); c.406+841G>A (NM_001408510.1); c.643+841G>A (NM_001408470.1, NM_001408464.1, NM_001408468.1 and 3 more transcripts); c.784+841G>A (NM_001408397.1, NM_001408401.1, NM_001408396.1 and 13 more transcripts); c.664+841G>A (NM_001408436.1, NM_001408444.1, NM_001408438.1 and 12 more transcripts); and 40 more; short protein forms G247D, G375D, G431D, G473D, G476D, G502D, G517D, G415D.
Identifiers: ClinVar variation 4828251 (VCV004828251.1).
Genomic context (GRCh38, chr17:43,093,903, plus strand): 5'-TGAATAGAATCACCTTTTGTTTTATTCTCATGACCACTATTAGTAATATTCATCACTTGA[C>T]CATTCTGCTCCGTTTGGTTAGTTCCCTGATTTATCATTTCAGGAGTCTTTTGAACTGCCA-3'
Protein context (NP_009225.1, residues 533-553): NQGTNQTEQN[Gly543Asp]QVMNITNSGH